The following is an entry in ClinVar:

NM_016359.5(NUSAP1):c.1213C>T (p.Gln405Ter)

Gene: NUSAP1 (nucleolar and spindle associated protein 1; plus strand). Cytogenetic location: 15q15.1.
Variant type: single nucleotide variant.
Coding change: c.1213C>T on transcript NM_016359.5 (MANE Select); coding-DNA position 1213, C replaced by T.
Protein change: p.Gln405Ter; replaces glutamine 405 with a stop codon.
Molecular consequence: nonsense.
Genome position (GRCh38, 1-based): chr15:41,377,285, C>T. VCF-style: chr15-41377285-C-T. GRCh37 (hg19) VCF-style: chr15-41669483-C-T.
Other names: c.1207C>T, p.Gln403Ter (NM_001243142.2); c.1168C>T, p.Gln390Ter (NM_001243143.2); c.1024C>T, p.Gln342Ter (NM_001243144.2); c.1210C>T, p.Gln404Ter (NM_001301136.2, NM_018454.8); short protein forms Q342*, Q403*, Q404*, Q405*, Q390*.
Identifiers: ClinVar variation 3681202 (VCV003681202.3).

ClinVar aggregate classification (germline): Conflicting classifications of pathogenicity. Review status: criteria provided, conflicting classifications (1 of 4 stars). 2 submissions from 2 submitters: Likely pathogenic (1); Uncertain significance (1). Last evaluated 2025-12-09.

Conditions:
NUSAP1-associated neurodevelopmental disorder.

Submissions (2):

Institute of Human Genetics, University of Leipzig Medical Center
Classification: Likely pathogenic for NUSAP1-associated neurodevelopmental disorder. Last evaluated: 2025-12-09. Review status: criteria provided, single submitter. Criteria: ACMG Guidelines, 2015. Collection method: clinical testing. Allele origin: de novo. Inheritance: Autosomal dominant inheritance. Affected: yes.
Comment: Criteria applied: PM2,PS2,PS4,PVS1

Labcorp Genetics (formerly Invitae), Labcorp
Classification: Uncertain significance. Last evaluated: 2024-04-19. Review status: criteria provided, single submitter. Criteria: Invitae Variant Classification Sherloc (09022015). Collection method: clinical testing. Allele origin: germline.
Comment: This sequence change creates a premature translational stop signal (p.Gln405*) in the NUSAP1 gene. While this is not anticipated to result in nonsense mediated decay, it is expected to disrupt the last 37 amino acid(s) of the NUSAP1 protein. This variant is not present in population databases (gnomAD no frequency). This variant has not been reported in the literature in individuals affected with NUSAP1-related conditions. In summary, the available evidence is currently insufficient to determine the role of this variant in disease. Therefore, it has been classified as a Variant of Uncertain Significance.

Literature cited by the submitters: DOI 10.1101/2025.05.16.654427 (cited by Institute of Human Genetics, University of Leipzig Medical Center).